The following is an entry in ClinVar:

ClinVar aggregate classification (germline): Uncertain significance (1 of 4 stars; one submission).

Submission:

GeneDx
Classification: Uncertain significance. Last evaluated: 2022-02-24. Review status: criteria provided, single submitter. Criteria: GeneDx Variant Classification Process June 2021. Collection method: clinical testing. Allele origin: germline. Affected: yes.
Comment: Not observed at significant frequency in large population cohorts (gnomAD); In silico analysis supports that this missense variant has a deleterious effect on protein structure/function; Has not been previously published as pathogenic or benign to our knowledge

NM_198904.4(GABRG2):c.652A>T (p.Ile218Phe)

Gene: GABRG2 (gamma-aminobutyric acid type A receptor subunit gamma2; plus strand). Cytogenetic location: 5q34.
Variant type: single nucleotide variant.
Coding change: c.652A>T on transcript NM_198904.4 (MANE Select); coding-DNA position 652, A replaced by T.
Protein change: p.Ile218Phe; replaces isoleucine 218 with phenylalanine.
Molecular consequence: missense variant.
Genome position (GRCh38, 1-based): chr5:162,103,909, A>T. VCF-style: chr5-162103909-A-T. GRCh37 (hg19) VCF-style: chr5-161530915-A-T.
Other names: c.652A>T, p.Ile218Phe (NM_000816.3, NM_001375340.1, NM_001375341.1 and 2 more transcripts); c.643A>T, p.Ile215Phe (NM_001375339.1); c.772A>T, p.Ile258Phe (NM_001375343.1, NM_198903.2); c.586A>T, p.Ile196Phe (NM_001375345.1, NM_001375346.1); c.565A>T, p.Ile189Phe (NM_001375347.1); c.232A>T, p.Ile78Phe (NM_001375348.1, NM_001375350.1); c.367A>T, p.Ile123Phe (NM_001375349.1); short protein forms I123F, I189F, I196F, I215F, I218F, I258F, I78F.
Identifiers: ClinVar variation 1703272 (VCV001703272.2), dbSNP rs1761616628, ClinGen allele CA362185005.